The following is an entry in ClinVar:

NM_017849.4(TMEM127):c.35G>A (p.Gly12Glu)

Genes: TMEM127 (transmembrane protein 127; minus strand), LOC129934333 (ATAC-STARR-seq lymphoblastoid silent region 11759; plus strand). Cytogenetic location: 2q11.2.
Variant type: single nucleotide variant.
Coding change: c.35G>A on transcript NM_017849.4 (MANE Select); coding-DNA position 35, G replaced by A.
Protein change: p.Gly12Glu; replaces glycine 12 with glutamic acid.
Molecular consequence: missense variant.
Genome position (GRCh38, 1-based): chr2:96,265,347, C>T on the plus strand (G>A on the coding strand, the complement: TMEM127 is on the minus strand). VCF-style: chr2-96265347-C-T. GRCh37 (hg19) VCF-style: chr2-96931085-C-T.
Other names: c.35G>A, p.Gly12Glu (NM_001193304.3); short protein forms G12E.
Identifiers: ClinVar variation 1733075 (VCV001733075.5), dbSNP rs2104308408, ClinGen allele CA347656270.
Genomic context (GRCh38, chr2:96,265,347, plus strand): 5'-GCCAGGCTACGCTCCGGCTGCTTGGGCAGAGCGCTGCCTCCCGGGCTCCTCCGCCGGCGC[C>T]CGCCGGGCAGCCCTGCGCCTCCGGGGGCGTACATGCCCGGGGCCGCCCGCCGTCGCTCCG-3'
Protein context (NP_060319.1, residues 2-22): YAPGGAGLPG[Gly12Glu]RRRRSPGGSA

ClinVar aggregate classification (germline): Uncertain significance. Review status: criteria provided, multiple submitters, no conflicts (2 of 4 stars). 2 submissions from 2 submitters: Uncertain significance (2). Last evaluated 2025-01-19.

Conditions:
Hereditary cancer-predisposing syndrome. Also called: Neoplastic Syndromes, Hereditary; Tumor predisposition; Hereditary Cancer Syndrome; Hereditary neoplastic syndrome. Identifiers: Orphanet 140162, MedGen C0027672, MeSH D009386, MONDO:0015356.
Hereditary pheochromocytoma and paraganglioma. Also called: Hereditary pheochromocytoma-paraganglioma; Hereditary paragangliomas and pheochromocytomas; Hereditary Paraganglioma-Pheochromocytoma Syndromes. Identifiers: Orphanet 29072, MedGen C4274332, MONDO:0017366.

Submissions (2):

Labcorp Genetics (formerly Invitae), Labcorp
Classification: Uncertain significance for Hereditary pheochromocytoma and paraganglioma. Last evaluated: 2025-01-19. Review status: criteria provided, single submitter. Criteria: Invitae Variant Classification Sherloc (09022015). Collection method: clinical testing. Allele origin: germline.
Comment: This sequence change replaces glycine, which is neutral and non-polar, with glutamic acid, which is acidic and polar, at codon 12 of the TMEM127 protein (p.Gly12Glu). This variant is not present in population databases (gnomAD no frequency). This variant has not been reported in the literature in individuals affected with TMEM127-related conditions. ClinVar contains an entry for this variant (Variation ID: 1733075). Experimental studies and prediction algorithms are not available or were not evaluated, and the functional significance of this variant is currently unknown. In summary, the available evidence is currently insufficient to determine the role of this variant in disease. Therefore, it has been classified as a Variant of Uncertain Significance.

Ambry Genetics
Classification: Uncertain significance for Hereditary cancer-predisposing syndrome. Last evaluated: 2024-04-24. Review status: criteria provided, single submitter. Criteria: Ambry Variant Classification Scheme 2023. Collection method: clinical testing. Allele origin: germline.
Comment: The p.G12E variant (also known as c.35G>A), located in coding exon 1 of the TMEM127 gene, results from a G to A substitution at nucleotide position 35. The glycine at codon 12 is replaced by glutamic acid, an amino acid with similar properties. This amino acid position is highly conserved in available vertebrate species. In addition, the in silico prediction for this alteration is inconclusive. Since supporting evidence is limited at this time, the clinical significance of this alteration remains unclear.